The following is an entry in ClinVar:

ClinVar aggregate classification (germline): Uncertain significance (1 of 4 stars; one submission).

Allele frequency attached by ClinVar (database versions not stated): gnomAD exomes below 0.00001; ExAC 0.00001; gnomAD 0.00001; TOPMed 0.00001.

Submission:

Labcorp Genetics (formerly Invitae), Labcorp
Classification: Uncertain significance. Last evaluated: 2024-11-15. Review status: criteria provided, single submitter. Criteria: Invitae Variant Classification Sherloc (09022015). Collection method: clinical testing. Allele origin: germline.
Comment: This sequence change replaces arginine, which is basic and polar, with glutamine, which is neutral and polar, at codon 71 of the RPL19 protein (p.Arg71Gln). The frequency data for this variant in the population databases is considered unreliable, as metrics indicate poor data quality at this position in the gnomAD database. This variant has not been reported in the literature in individuals affected with RPL19-related conditions. ClinVar contains an entry for this variant (Variation ID: 2193610). An algorithm developed to predict the effect of missense changes on protein structure and function (PolyPhen-2) suggests that this variant is likely to be tolerated. In summary, the available evidence is currently insufficient to determine the role of this variant in disease. Therefore, it has been classified as a Variant of Uncertain Significance.

NM_000981.4(RPL19):c.212G>A (p.Arg71Gln)

Gene: RPL19 (ribosomal protein L19; plus strand). Cytogenetic location: 17q12.
Variant type: single nucleotide variant.
Coding change: c.212G>A on transcript NM_000981.4 (MANE Select); coding-DNA position 212, G replaced by A.
Protein change: p.Arg71Gln; replaces arginine 71 with glutamine.
Molecular consequence: missense variant.
Genome position (GRCh38, 1-based): chr17:39,202,416, G>A. VCF-style: chr17-39202416-G-A. GRCh37 (hg19) VCF-style: chr17-37358669-G-A.
Other names: c.206G>A, p.Arg69Gln (NM_001330200.1); short protein forms R69Q, R71Q.
Identifiers: ClinVar variation 2193610 (VCV002193610.4), dbSNP rs778558725, ClinGen allele CA8528869.